The following is an entry in ClinVar:

NM_000355.4(TCN2):c.242A>C (p.Gln81Pro)

Gene: TCN2 (transcobalamin 2; plus strand). Cytogenetic location: 22q12.2.
Variant type: single nucleotide variant.
Coding change: c.242A>C on transcript NM_000355.4 (MANE Select); coding-DNA position 242, A replaced by C.
Protein change: p.Gln81Pro; replaces glutamine 81 with proline.
Molecular consequence: missense variant.
Genome position (GRCh38, 1-based): chr22:30,611,048, A>C. VCF-style: chr22-30611048-A-C. GRCh37 (hg19) VCF-style: chr22-31007035-A-C.
Other names: c.242A>C, p.Gln81Pro (NM_001184726.2); short protein forms Q81P.
Identifiers: ClinVar variation 937273 (VCV000937273.9), dbSNP rs2087532634, ClinGen allele CA411206498.
Genomic context (GRCh38, chr22:30,611,048, plus strand): 5'-CCAGTCTGCAGGCTGGGACCAAGGAAGACCTCTACCTGCACAGCCTCAAGCTTGGTTACC[A>C]GCAGTGCCTCCTAGGGTATTGCCACACTCTCTTTTTCCATGTCTTGCTCCACATACTAAG-3'
Protein context (NP_000346.2, residues 71-91): LYLHSLKLGY[Gln81Pro]QCLLGSAFSE

ClinVar aggregate classification (germline): Uncertain significance (1 of 4 stars; one submission).

Conditions:
Transcobalamin II deficiency (TCN2D). Also called: Transcolabamin II deficiency; TC II DEFICIENCY; TCN2 DEFICIENCY. Identifiers: Orphanet 859, MedGen C0342701, MONDO:0010149, OMIM 275350.

Allele frequency attached by ClinVar (database versions not stated): TOPMed below 0.00001.

Submission:

Labcorp Genetics (formerly Invitae), Labcorp
Classification: Uncertain significance for Transcobalamin II deficiency. Last evaluated: 2019-09-20. Review status: criteria provided, single submitter. Criteria: Invitae Variant Classification Sherloc (09022015). Collection method: clinical testing. Allele origin: germline.
Comment: This variant has not been reported in the literature in individuals with TCN2-related conditions. Algorithms developed to predict the effect of missense changes on protein structure and function are either unavailable or do not agree on the potential impact of this missense change (SIFT: "Tolerated"; PolyPhen-2: "Probably Damaging"; Align-GVGD: "Class C0"). In summary, the available evidence is currently insufficient to determine the role of this variant in disease. Therefore, it has been classified as a Variant of Uncertain Significance. This variant is not present in population databases (ExAC no frequency). This sequence change replaces glutamine with proline at codon 81 of the TCN2 protein (p.Gln81Pro). The glutamine residue is moderately conserved and there is a moderate physicochemical difference between glutamine and proline.